The following is an entry in ClinVar:

ClinVar aggregate classification (germline): Uncertain significance. Review status: criteria provided, multiple submitters, no conflicts (2 of 4 stars). 3 submissions from 3 submitters: Uncertain significance (3). Last evaluated 2024-09-23.

Conditions:
Inborn genetic diseases. Identifiers: MedGen C0950123, MeSH D030342.
Mosaic variegated aneuploidy syndrome 1 (MVA1). Also called: Warburton-Anyane-Yeboa syndrome. Identifiers: Orphanet 1052, MedGen C1850343, MONDO:0009759, OMIM 257300.

Allele frequency attached by ClinVar (database versions not stated): gnomAD exomes 0.00001; TOPMed 0.00001; ExAC 0.00003.
gnomAD v4.1: 5 of 1,613,710 alleles (0.00031%); highest among the groups gnomAD compares: Admixed American, 0.0083%; no homozygotes.

Submissions (3):

Women's Health and Genetics/Laboratory Corporation of America, LabCorp
Classification: Uncertain significance. Last evaluated: 2024-09-23. Review status: criteria provided, single submitter. Criteria: LabCorp Variant Classification Summary - May 2015. Collection method: clinical testing. Allele origin: germline.
Comment: Variant summary: BUB1B c.184T>C (p.Phe62Leu) results in a non-conservative amino acid change in the encoded protein sequence. Four of five in-silico tools predict a damaging effect of the variant on protein function. The variant allele was found at a frequency of 2.4e-05 in 251452 control chromosomes. The available data on variant occurrences in the general population are insufficient to allow any conclusion about variant significance. To our knowledge, no occurrence of c.184T>C in individuals affected with Mosaic Variegated Aneuploidy Syndrome 1 and no experimental evidence demonstrating its impact on protein function have been reported. ClinVar contains an entry for this variant (Variation ID: 2048232). Based on the evidence outlined above, the variant was classified as uncertain significance.

Labcorp Genetics (formerly Invitae), Labcorp
Classification: Uncertain significance for Mosaic variegated aneuploidy syndrome 1. Last evaluated: 2024-06-24. Review status: criteria provided, single submitter. Criteria: Invitae Variant Classification Sherloc (09022015). Collection method: clinical testing. Allele origin: germline.
Comment: This sequence change replaces phenylalanine, which is neutral and non-polar, with leucine, which is neutral and non-polar, at codon 62 of the BUB1B protein (p.Phe62Leu). This variant is present in population databases (rs779439053, gnomAD 0.02%). This variant has not been reported in the literature in individuals affected with BUB1B-related conditions. ClinVar contains an entry for this variant (Variation ID: 2048232). An algorithm developed to predict the effect of missense changes on protein structure and function (PolyPhen-2) suggests that this variant is likely to be disruptive. In summary, the available evidence is currently insufficient to determine the role of this variant in disease. Therefore, it has been classified as a Variant of Uncertain Significance.

Ambry Genetics
Classification: Uncertain significance for Inborn genetic diseases. Last evaluated: 2023-01-26. Review status: criteria provided, single submitter. Criteria: Ambry Variant Classification Scheme 2023. Collection method: clinical testing. Allele origin: germline.
Comment: The p.F62L variant (also known as c.184T>C), located in coding exon 3 of the BUB1B gene, results from a T to C substitution at nucleotide position 184. The phenylalanine at codon 62 is replaced by leucine, an amino acid with highly similar properties. This amino acid position is conserved. In addition, the in silico prediction for this alteration is inconclusive. Since supporting evidence is limited at this time, the clinical significance of this alteration remains unclear.

NM_001211.6(BUB1B):c.184T>C (p.Phe62Leu)

Gene: BUB1B (BUB1 mitotic checkpoint serine/threonine kinase B; plus strand). Cytogenetic location: 15q15.1.
Variant type: single nucleotide variant.
Coding change: c.184T>C on transcript NM_001211.6 (MANE Select); coding-DNA position 184, T replaced by C.
Protein change: p.Phe62Leu; replaces phenylalanine 62 with leucine.
Molecular consequence: missense variant.
Genome position (GRCh38, 1-based): chr15:40,170,066, T>C. VCF-style: chr15-40170066-T-C. GRCh37 (hg19) VCF-style: chr15-40462267-T-C.
Other names: short protein forms F62L.
Identifiers: ClinVar variation 2048232 (VCV002048232.7), dbSNP rs779439053, ClinGen allele CA7475404.